The following is an entry in ClinVar:

NM_004177.5(STX3):c.675G>A (p.Gln225=)

Gene: STX3 (syntaxin 3; plus strand). Cytogenetic location: 11q12.1.
Variant type: single nucleotide variant.
Coding change: c.675G>A on transcript NM_004177.5 (MANE Select); coding-DNA position 675, G replaced by A.
Protein change: p.Gln225=; no amino-acid change (glutamine 225 retained).
Molecular consequence: synonymous variant.
Genome position (GRCh38, 1-based): chr11:59,793,514, G>A. VCF-style: chr11-59793514-G-A. GRCh37 (hg19) VCF-style: chr11-59560987-G-A.
Other names: c.675G>A, p.Gln225= (NM_001178040.3).
Identifiers: ClinVar variation 1408586 (VCV001408586.5), dbSNP rs1259866396, ClinGen allele CA474659965.

ClinVar aggregate classification (germline): Uncertain significance (1 of 4 stars; one submission).

Allele frequency attached by ClinVar (database versions not stated): gnomAD 0.00001; TOPMed 0.00001; gnomAD exomes 0.00002.
gnomAD v4.1: 28 of 1,612,622 alleles (0.0017%); highest among the groups gnomAD compares: Non-Finnish European, 0.0024%; no homozygotes.

Submission:

Labcorp Genetics (formerly Invitae), Labcorp
Classification: Uncertain significance. Last evaluated: 2022-11-23. Review status: criteria provided, single submitter. Criteria: Invitae Variant Classification Sherloc (09022015). Collection method: clinical testing. Allele origin: germline.
Comment: The frequency data for this variant in the population databases is considered unreliable, as metrics indicate poor data quality at this position in the gnomAD database. This sequence change affects codon 225 of the STX3 mRNA. It is a 'silent' change, meaning that it does not change the encoded amino acid sequence of the STX3 protein. This variant also falls at the last nucleotide of exon 8, which is part of the consensus splice site for this exon. This variant has not been reported in the literature in individuals affected with STX3-related conditions. In summary, the available evidence is currently insufficient to determine the role of this variant in disease. Therefore, it has been classified as a Variant of Uncertain Significance. Variants that disrupt the consensus splice site are a relatively common cause of aberrant splicing (PMID: 17576681, 9536098). Algorithms developed to predict the effect of sequence changes on RNA splicing suggest that this variant is not likely to affect RNA splicing. ClinVar contains an entry for this variant (Variation ID: 1408586).

Literature cited by the submitters: PubMed 17576681; PubMed 9536098.